The following is an entry in ClinVar:

ClinVar aggregate classification (germline): Uncertain significance (1 of 4 stars; one submission).

Allele frequency attached by ClinVar (database versions not stated): gnomAD exomes below 0.00001; TOPMed below 0.00001; gnomAD 0.00001; ExAC 0.00002; 1000 Genomes Project 30x 0.00016; 1000 Genomes Project 0.00020.
gnomAD v4.1: 7 of 1,614,032 alleles (0.00043%); highest among the groups gnomAD compares: Admixed American, 0.0033%; no homozygotes.

Submission:

Labcorp Genetics (formerly Invitae), Labcorp
Classification: Uncertain significance. Last evaluated: 2023-12-01. Review status: criteria provided, single submitter. Criteria: Invitae Variant Classification Sherloc (09022015). Collection method: clinical testing. Allele origin: germline.
Comment: This sequence change replaces arginine, which is basic and polar, with glutamine, which is neutral and polar, at codon 790 of the NTRK2 protein (p.Arg790Gln). This variant is present in population databases (rs532184896, gnomAD 0.006%). This variant has not been reported in the literature in individuals affected with NTRK2-related conditions. Advanced modeling of protein sequence and biophysical properties (such as structural, functional, and spatial information, amino acid conservation, physicochemical variation, residue mobility, and thermodynamic stability) performed at Invitae indicates that this missense variant is not expected to disrupt NTRK2 protein function with a negative predictive value of 80%. In summary, the available evidence is currently insufficient to determine the role of this variant in disease. Therefore, it has been classified as a Variant of Uncertain Significance.

NM_006180.6(NTRK2):c.2369G>A (p.Arg790Gln)

Gene: NTRK2 (neurotrophic receptor tyrosine kinase 2; plus strand). Cytogenetic location: 9q21.33.
Variant type: single nucleotide variant.
Coding change: c.2369G>A on transcript NM_006180.6 (MANE Select); coding-DNA position 2369, G replaced by A.
Protein change: p.Arg790Gln; replaces arginine 790 with glutamine.
Molecular consequence: missense variant.
Genome position (GRCh38, 1-based): chr9:85,021,289, G>A. VCF-style: chr9-85021289-G-A. GRCh37 (hg19) VCF-style: chr9-87636204-G-A.
Other names: c.2321G>A, p.Arg774Gln (NM_001018064.3, NM_001369532.1, NM_001369533.1); c.2285G>A, p.Arg762Gln (NM_001369534.1); c.1853G>A, p.Arg618Gln (NM_001369535.1); c.1901G>A, p.Arg634Gln (NM_001369536.1); c.2369G>A, p.Arg790Gln (NM_001381928.1); short protein forms R790Q, R618Q, R634Q, R762Q, R774Q.
Identifiers: ClinVar variation 2783992 (VCV002783992.3), dbSNP rs532184896, ClinGen allele CA5105985.